The following is an entry in ClinVar:

ClinVar aggregate classification (germline): Likely benign. Review status: criteria provided, multiple submitters, no conflicts (2 of 4 stars). 3 submissions from 3 submitters: Likely benign (3). Last evaluated 2026-06-10.

Allele frequency attached by ClinVar (database versions not stated): gnomAD 0.00010; ExAC 0.00012; ESP Exome Variant Server 0.00016; TOPMed 0.00017; 1000 Genomes Project 0.00020; 1000 Genomes Project 30x 0.00031.
gnomAD v4.1: 199 of 1,614,202 alleles (0.012%); highest among the groups gnomAD compares: Non-Finnish European, 0.015%; no homozygotes.

Submissions (3):

Women's Health and Genetics/Laboratory Corporation of America, LabCorp
Classification: Likely benign. Last evaluated: 2026-06-10. Review status: criteria provided, single submitter. Criteria: LabCorp Variant Classification Summary - May 2015. Collection method: clinical testing. Allele origin: germline.

Labcorp Genetics (formerly Invitae), Labcorp
Classification: Likely benign. Last evaluated: 2025-12-03. Review status: criteria provided, single submitter. Criteria: Invitae Variant Classification Sherloc (09022015). Collection method: clinical testing. Allele origin: germline.

CeGaT Center for Human Genetics Tuebingen
Classification: Likely benign. Last evaluated: 2024-07-01. Review status: criteria provided, single submitter. Criteria: CeGaT Center For Human Genetics Tuebingen Variant Classification Criteria Version 2. Collection method: clinical testing. Allele origin: germline. Affected: yes. Observed: 1 variant allele.
Comment: TTBK2: BP4, BP7

NM_173500.4(TTBK2):c.3060C>T (p.Leu1020=)

Gene: TTBK2 (tau tubulin kinase 2; minus strand). Cytogenetic location: 15q15.2.
Variant type: single nucleotide variant.
Coding change: c.3060C>T on transcript NM_173500.4 (MANE Select); coding-DNA position 3060, C replaced by T.
Protein change: p.Leu1020=; no amino-acid change (leucine 1020 retained).
Molecular consequence: synonymous variant.
Genome position (GRCh38, 1-based): chr15:42,752,186, G>A on the plus strand (C>T on the coding strand, the complement: TTBK2 is on the minus strand). VCF-style: chr15-42752186-G-A. GRCh37 (hg19) VCF-style: chr15-43044384-G-A.
Identifiers: ClinVar variation 2056941 (VCV002056941.22), dbSNP rs55735086, ClinGen allele CA7516647.